The following is an entry in ClinVar:

ClinVar aggregate classification (germline): Uncertain significance (1 of 4 stars; one submission).

Conditions:
Dyskeratosis congenita, autosomal dominant 1 (DKCA1). Also called: Dyskeratosis congenita Scoggins type. Identifiers: Orphanet 1775, MedGen C4551974, MONDO:0007485, OMIM 127550. Inheritance: Variable.

Submission:

Labcorp Genetics (formerly Invitae), Labcorp
Classification: Uncertain significance for Dyskeratosis congenita, autosomal dominant 1. Last evaluated: 2019-11-19. Review status: criteria provided, single submitter. Criteria: Invitae Variant Classification Sherloc (09022015). Collection method: clinical testing. Allele origin: germline.
Comment: In summary, the available evidence is currently insufficient to determine the role of this variant in disease. Therefore, it has been classified as a Variant of Uncertain Significance. This variant is located within the template/pseudoknot domain of the TERC RNA component, which is required for RNA or RNP stability (PMID: 15082312, 21844345). Functional studies testing the effect of this variant on TERC secondary structure or function have not been reported. This variant has not been reported in the literature in individuals with TERC-related conditions. This variant is not present in population databases (ExAC no frequency). This variant occurs in the TERC gene, which encodes an RNA molecule that does not result in a protein product.

Literature cited by the submitters: PubMed 15082312; PubMed 21844345.

NC_000003.12:g.169764928A>G

Genes: TERC (telomerase RNA component; minus strand), LOC110806306 (telomerase RNA component (TERC) promoter; plus strand). Cytogenetic location: 3q26.2.
Variant type: single nucleotide variant.
Genome position: GRCh38 VCF-style: chr3-169764928-A-G. GRCh37 (hg19) VCF-style: chr3-169482716-A-G.
Identifiers: ClinVar variation 857365 (VCV000857365.10), dbSNP rs1777963007, ClinGen allele CA436715692.